The following is an entry in ClinVar:

NM_001377265.1(MAPT):c.2174-5T>A

Gene: MAPT (microtubule associated protein tau). Cytogenetic location: 17q21.31.
Variant type: single nucleotide variant.
Coding change: c.2174-5T>A on transcript NM_001377265.1 (MANE Select); 5 bases into the intron before coding-DNA position 2174, T replaced by A.
Molecular consequence: intron variant.
Genome position (GRCh38, 1-based): chr17:46,018,613, T>A. VCF-style: chr17-46018613-T-A. GRCh37 (hg19) VCF-style: chr17-44095979-T-A.
Other names: c.731-5T>A (NM_001377268.1, NM_016841.5); c.2003-5T>A (NM_001123066.4); c.1949-5T>A (NM_016835.5); c.998-5T>A (NM_005910.6); c.905-5T>A (NM_001203252.2); c.1883-5T>A (NM_001377266.1); c.911-5T>A (NM_001123067.4); c.818-5T>A (NM_001203251.2); and 2 more.
Identifiers: ClinVar variation 2185032 (VCV002185032.4), dbSNP rs2510233672, ClinGen allele CA2580093979.

ClinVar aggregate classification (germline): Uncertain significance (1 of 4 stars; one submission).

Conditions:
Frontotemporal dementia (FTD1). Also called: Frontotemporal lobe dementia (FLDEM); FRONTOTEMPORAL LOBAR DEGENERATION WITH TAU INCLUSIONS; FTLD WITH TAU INCLUSIONS; WILHELMSEN-LYNCH DISEASE; Frontotemporal Dementia with Parkinsonism-17 (FTDP-17); FRONTOTEMPORAL DEMENTIA WITH PARKINSONISM. Identifiers: Orphanet 282, MedGen C0338451, MONDO:0017276, OMIM 600274, HP:0002145.

Submission:

Labcorp Genetics (formerly Invitae), Labcorp
Classification: Uncertain significance for Frontotemporal dementia. Last evaluated: 2022-01-18. Review status: criteria provided, single submitter. Criteria: Invitae Variant Classification Sherloc (09022015). Collection method: clinical testing. Allele origin: germline.
Comment: In summary, the available evidence is currently insufficient to determine the role of this variant in disease. Therefore, it has been classified as a Variant of Uncertain Significance. Algorithms developed to predict the effect of sequence changes on RNA splicing suggest that this variant may disrupt the consensus splice site. This variant has not been reported in the literature in individuals affected with MAPT-related conditions. This variant is not present in population databases (gnomAD no frequency). This sequence change falls in intron 10 of the MAPT gene. It does not directly change the encoded amino acid sequence of the MAPT protein.